The following is an entry in ClinVar:

NM_001023.4(RPS20):c.6T>A (p.Ala2=)

Gene: RPS20 (ribosomal protein S20; minus strand). Cytogenetic location: 8q12.1.
Variant type: single nucleotide variant.
Coding change: c.6T>A on transcript NM_001023.4 (MANE Select); coding-DNA position 6, T replaced by A.
Protein change: p.Ala2=; no amino-acid change (alanine 2 retained).
Molecular consequence: synonymous variant.
Genome position (GRCh38, 1-based): chr8:56,074,157, A>T on the plus strand (T>A on the coding strand, the complement: RPS20 is on the minus strand). VCF-style: chr8-56074157-A-T. GRCh37 (hg19) VCF-style: chr8-56986716-A-T.
Other names: c.6T>A, p.Ala2= (NM_001146227.3).
Identifiers: ClinVar variation 1756630 (VCV001756630.4), dbSNP rs2486985711, ClinGen allele CA461101712.

ClinVar aggregate classification (germline): Benign/Likely benign. Review status: criteria provided, multiple submitters, no conflicts (2 of 4 stars). 3 submissions from 3 submitters: Benign (1); Likely benign (2). Last evaluated 2026-08-03.

Conditions:
Familial colorectal cancer type X. Identifiers: Orphanet 440437, MedGen C3896578, MONDO:0018604.

Allele frequency attached by ClinVar (database versions not stated): gnomAD exomes below 0.00001.
gnomAD v4.1: 1 of 1,610,720 alleles (0.000062%); highest among the groups gnomAD compares: Non-Finnish European, 0.000085%; no homozygotes.

Submissions (3):

Myriad Genetics, Inc.
Classification: Benign for Familial colorectal cancer type X. Last evaluated: 2026-08-03. Review status: criteria provided, single submitter. Criteria: Myriad Autosomal Dominant, Autosomal Recessive and X-Linked Classification Criteria (2023). Collection method: clinical testing. Allele origin: unknown.
Comment: This variant is considered benign. This variant is a silent/synonymous amino acid change and it is not expected to impact splicing.

Labcorp Genetics (formerly Invitae), Labcorp
Classification: Likely benign. Last evaluated: 2025-10-23. Review status: criteria provided, single submitter. Criteria: Invitae Variant Classification Sherloc (09022015). Collection method: clinical testing. Allele origin: germline.

Ambry Genetics
Classification: Likely benign. Last evaluated: 2022-06-07. Review status: criteria provided, single submitter. Criteria: Ambry Variant Classification Scheme 2023. Collection method: clinical testing. Allele origin: germline.